The following is an entry in ClinVar:

ClinVar aggregate classification (germline): Uncertain significance. Review status: criteria provided, multiple submitters, no conflicts (2 of 4 stars). 2 submissions from 2 submitters: Uncertain significance (2). Last evaluated 2026-06-09.

Conditions:
Inborn genetic diseases. Identifiers: MedGen C0950123, MeSH D030342.

Allele frequency attached by ClinVar (database versions not stated): gnomAD 0.00001; TOPMed 0.00001.

Submissions (2):

Ambry Genetics
Classification: Uncertain significance for Inborn genetic diseases. Last evaluated: 2026-06-09. Review status: criteria provided, single submitter. Criteria: Ambry Variant Classification Scheme 2023. Collection method: clinical testing. Allele origin: germline.

Labcorp Genetics (formerly Invitae), Labcorp
Classification: Uncertain significance. Last evaluated: 2024-10-24. Review status: criteria provided, single submitter. Criteria: Invitae Variant Classification Sherloc (09022015). Collection method: clinical testing. Allele origin: germline.
Comment: This sequence change replaces glutamine, which is neutral and polar, with arginine, which is basic and polar, at codon 1193 of the ARID1B protein (p.Gln1193Arg). This variant is not present in population databases (gnomAD no frequency). This variant has not been reported in the literature in individuals affected with ARID1B-related conditions. ClinVar contains an entry for this variant (Variation ID: 2170888). Invitae Evidence Modeling of protein sequence and biophysical properties (such as structural, functional, and spatial information, amino acid conservation, physicochemical variation, residue mobility, and thermodynamic stability) indicates that this missense variant is not expected to disrupt ARID1B protein function with a negative predictive value of 95%. In summary, the available evidence is currently insufficient to determine the role of this variant in disease. Therefore, it has been classified as a Variant of Uncertain Significance.

NM_001374828.1(ARID1B):c.3947A>G (p.Gln1316Arg)

Gene: ARID1B (AT-rich interaction domain 1B; plus strand). Cytogenetic location: 6q25.3.
Variant type: single nucleotide variant.
Coding change: c.3947A>G on transcript NM_001374828.1 (MANE Select); coding-DNA position 3947, A replaced by G.
Protein change: p.Gln1316Arg; replaces glutamine 1316 with arginine.
Molecular consequence: missense variant.
Genome position (GRCh38, 1-based): chr6:157,189,669, A>G. VCF-style: chr6-157189669-A-G. GRCh37 (hg19) VCF-style: chr6-157510803-A-G.
Other names: c.3698A>G, p.Gln1233Arg (NM_001346813.1); c.1448A>G, p.Gln483Arg (NM_001363725.2); c.3827A>G, p.Gln1276Arg (NM_001371656.1, NM_001374820.1); c.3788A>G, p.Gln1263Arg (NM_017519.3); c.3578A>G, p.Gln1193Arg (NM_020732.3); c.3365A>G, p.Gln1122Arg (NM_175863.2); short protein forms Q1233R, Q1193R, Q1263R, Q1276R, Q1122R, Q1316R, Q483R.
Identifiers: ClinVar variation 2170888 (VCV002170888.5), dbSNP rs918781781, ClinGen allele CA150362498.